The following is an entry in ClinVar:

ClinVar aggregate classification (germline): Uncertain significance. Review status: criteria provided, multiple submitters, no conflicts (2 of 4 stars). 2 submissions from 2 submitters: Uncertain significance (2). Last evaluated 2024-07-19.

Allele frequency attached by ClinVar (database versions not stated): gnomAD 0.00001; TOPMed 0.00003.
gnomAD v4.1: 35 of 1,612,018 alleles (0.0022%); highest among the groups gnomAD compares: East Asian, 0.027%; no homozygotes.

Submissions (2):

Labcorp Genetics (formerly Invitae), Labcorp
Classification: Uncertain significance. Last evaluated: 2024-07-19. Review status: criteria provided, single submitter. Criteria: Invitae Variant Classification Sherloc (09022015). Collection method: clinical testing. Allele origin: germline.
Comment: This sequence change creates a premature translational stop signal (p.Arg426*) in the CACNA2D4 gene. It is expected to result in an absent or disrupted protein product. However, the current clinical and genetic evidence is not sufficient to establish whether loss-of-function variants in CACNA2D4 cause disease. This variant is present in population databases (rs764495319, gnomAD 0.1%), and has an allele count higher than expected for a pathogenic variant. This variant has not been reported in the literature in individuals affected with CACNA2D4-related conditions. ClinVar contains an entry for this variant (Variation ID: 631673). Algorithms developed to predict the effect of sequence changes on RNA splicing suggest that this variant may disrupt the consensus splice site. In summary, the available evidence is currently insufficient to determine the role of this variant in disease. Therefore, it has been classified as a Variant of Uncertain Significance.

Blueprint Genetics
Classification: Uncertain significance. Last evaluated: 2024-03-26. Review status: criteria provided, single submitter. Criteria: ACMG Guidelines, 2015. Collection method: clinical testing. Allele origin: germline.

NM_172364.5(CACNA2D4):c.1276C>T (p.Arg426Ter)

Gene: CACNA2D4 (calcium voltage-gated channel auxiliary subunit alpha2delta 4; minus strand). Cytogenetic location: 12p13.33.
Variant type: single nucleotide variant.
Coding change: c.1276C>T on transcript NM_172364.5 (MANE Select); coding-DNA position 1276, C replaced by T.
Protein change: p.Arg426Ter; replaces arginine 426 with a stop codon.
Molecular consequence: nonsense.
Genome position (GRCh38, 1-based): chr12:1,884,318, G>A on the plus strand (C>T on the coding strand, the complement: CACNA2D4 is on the minus strand). VCF-style: chr12-1884318-G-A. GRCh37 (hg19) VCF-style: chr12-1993484-G-A.
Other names: short protein forms R426*.
Identifiers: ClinVar variation 631673 (VCV000631673.13), dbSNP rs764495319, ClinGen allele CA6387194.
Genomic context (GRCh38, chr12:1,884,318, plus strand): 5'-CAATCCACTTCATGCGGTCAGCAAAAGACACTTCTCTCCCAATGAGGTAAGTGAAAACTC[G>A]GACCTAACCCACAAGACACAGAGGCACTCAGCAGCAAAATTCCCGGCCATAAGTAATGTT-3'